The following is an entry in ClinVar:

ClinVar aggregate classification (germline): Uncertain significance (1 of 4 stars; one submission).

Allele frequency attached by ClinVar (database versions not stated): TOPMed below 0.00001; ExAC 0.00001; gnomAD 0.00001; gnomAD exomes 0.00001; 1000 Genomes Project 0.00020; 1000 Genomes Project 30x 0.00031.
gnomAD v4.1: 18 of 1,614,048 alleles (0.0011%); highest among the groups gnomAD compares: Admixed American, 0.0033%; no homozygotes.

Submission:

Labcorp Genetics (formerly Invitae), Labcorp
Classification: Uncertain significance. Last evaluated: 2023-08-07. Review status: criteria provided, single submitter. Criteria: Invitae Variant Classification Sherloc (09022015). Collection method: clinical testing. Allele origin: germline.
Comment: In summary, the available evidence is currently insufficient to determine the role of this variant in disease. Therefore, it has been classified as a Variant of Uncertain Significance. Advanced modeling of protein sequence and biophysical properties (such as structural, functional, and spatial information, amino acid conservation, physicochemical variation, residue mobility, and thermodynamic stability) has been performed at Invitae for this missense variant, however the output from this modeling did not meet the statistical confidence thresholds required to predict the impact of this variant on NOTCH3 protein function. This variant has not been reported in the literature in individuals affected with NOTCH3-related conditions. The frequency data for this variant in the population databases is considered unreliable, as metrics indicate poor data quality at this position in the gnomAD database. This sequence change replaces threonine, which is neutral and polar, with methionine, which is neutral and non-polar, at codon 384 of the NOTCH3 protein (p.Thr384Met).

NM_000435.3(NOTCH3):c.1151C>T (p.Thr384Met)

Gene: NOTCH3 (notch receptor 3; minus strand). Cytogenetic location: 19p13.12.
Variant type: single nucleotide variant.
Coding change: c.1151C>T on transcript NM_000435.3 (MANE Select); coding-DNA position 1151, C replaced by T.
Protein change: p.Thr384Met; replaces threonine 384 with methionine.
Molecular consequence: missense variant.
Genome position (GRCh38, 1-based): chr19:15,189,314, G>A on the plus strand (C>T on the coding strand, the complement: NOTCH3 is on the minus strand). VCF-style: chr19-15189314-G-A. GRCh37 (hg19) VCF-style: chr19-15300125-G-A.
Other names: short protein forms T384M.
Identifiers: ClinVar variation 2996289 (VCV002996289.3), dbSNP rs201917592, ClinGen allele CA9263707.
Genomic context (GRCh38, chr19:15,189,314, plus strand): 5'-ACGATGGAGCTCCCCTCACCGATAGAGCACTCGTCCACATCCTGGTCACATGCCCCACCC[G>A]TGAAGCCGGGAGGACAGGTGCAAATGGCCCGGCCGTTCACCGGATTTGTGTCACAGATAG-3'
Protein context (NP_000426.2, residues 374-394): RAICTCPPGF[Thr384Met]GGACDQDVDE